The following is an entry in ClinVar:

ClinVar aggregate classification (germline): Uncertain significance (1 of 4 stars; one submission).

Conditions:
Infantile neuroaxonal dystrophy (NBIA2A). Also called: NEURODEGENERATION WITH BRAIN IRON ACCUMULATION 2A; SEITELBERGER DISEASE; Infantile neuroaxonal dystrophy 1. Identifiers: Orphanet 35069, MedGen C0270724, MONDO:0024457, OMIM 256600.

Submission:

Labcorp Genetics (formerly Invitae), Labcorp
Classification: Uncertain significance for Infantile neuroaxonal dystrophy. Last evaluated: 2024-10-24. Review status: criteria provided, single submitter. Criteria: Invitae Variant Classification Sherloc (09022015). Collection method: clinical testing. Allele origin: germline.
Comment: This sequence change replaces alanine, which is neutral and non-polar, with proline, which is neutral and non-polar, at codon 294 of the PLA2G6 protein (p.Ala294Pro). This variant is not present in population databases (gnomAD no frequency). This variant has not been reported in the literature in individuals affected with PLA2G6-related conditions. ClinVar contains an entry for this variant (Variation ID: 2108054). Invitae Evidence Modeling of protein sequence and biophysical properties (such as structural, functional, and spatial information, amino acid conservation, physicochemical variation, residue mobility, and thermodynamic stability) indicates that this missense variant is expected to disrupt PLA2G6 protein function with a positive predictive value of 80%. In summary, the available evidence is currently insufficient to determine the role of this variant in disease. Therefore, it has been classified as a Variant of Uncertain Significance.

NM_003560.4(PLA2G6):c.880G>C (p.Ala294Pro)

Gene: PLA2G6 (phospholipase A2 group VI; minus strand). Cytogenetic location: 22q13.1.
Variant type: single nucleotide variant.
Coding change: c.880G>C on transcript NM_003560.4 (MANE Select); coding-DNA position 880, G replaced by C.
Protein change: p.Ala294Pro; replaces alanine 294 with proline.
Molecular consequence: missense variant.
Genome position (GRCh38, 1-based): chr22:38,135,002, C>G on the plus strand (G>C on the coding strand, the complement: PLA2G6 is on the minus strand). VCF-style: chr22-38135002-C-G. GRCh37 (hg19) VCF-style: chr22-38531009-C-G.
Other names: c.880G>C, p.Ala294Pro (NM_001004426.3, NM_001199562.3, NM_001349864.2 and 2 more transcripts); c.346G>C, p.Ala116Pro (NM_001349867.2, NM_001349869.2); c.202G>C, p.Ala68Pro (NM_001349868.2); short protein forms A294P, A116P, A68P.
Identifiers: ClinVar variation 2108054 (VCV002108054.4), dbSNP rs2518019622, ClinGen allele CA411531024.